The following is an entry in ClinVar:

NM_000245.4(MET):c.1527+4A>G

Gene: MET (MET proto-oncogene, receptor tyrosine kinase; plus strand). Cytogenetic location: 7q31.2.
Variant type: single nucleotide variant.
Coding change: c.1527+4A>G on transcript NM_000245.4 (MANE Select); 4 bases into the intron after coding-DNA position 1527, A replaced by G.
Molecular consequence: intron variant.
Genome position (GRCh38, 1-based): chr7:116,740,088, A>G. VCF-style: chr7-116740088-A-G. GRCh37 (hg19) VCF-style: chr7-116380142-A-G.
Other names: c.1527+4A>G (NM_001127500.3, NM_001324401.3, NM_001127500.1); c.237+4A>G (NM_001324402.2).
Identifiers: ClinVar variation 1027113 (VCV001027113.7), dbSNP rs1793387054, ClinGen allele CA1737027058.

ClinVar aggregate classification (germline): Uncertain significance. Review status: criteria provided, multiple submitters, no conflicts (2 of 4 stars). 2 submissions from 2 submitters: Uncertain significance (2). Last evaluated 2025-02-25.

Conditions:
Renal cell carcinoma. Identifiers: Orphanet 217071, MedGen C0007134, MeSH D002292, MONDO:0005086, HP:0005584.
Hereditary cancer-predisposing syndrome. Also called: Neoplastic Syndromes, Hereditary; Tumor predisposition; Hereditary Cancer Syndrome; Hereditary neoplastic syndrome. Identifiers: Orphanet 140162, MedGen C0027672, MeSH D009386, MONDO:0015356.

Submissions (2):

Ambry Genetics
Classification: Uncertain significance for Hereditary cancer-predisposing syndrome. Last evaluated: 2025-02-25. Review status: criteria provided, single submitter. Criteria: Ambry Variant Classification Scheme 2023. Collection method: clinical testing. Allele origin: germline.
Comment: The c.1527+4A>G intronic variant results from an A to G substitution 4 nucleotides after coding exon 3 in the MET gene. This nucleotide position is well conserved in available vertebrate species. In silico splice site analysis predicts that this alteration will not have any significant effect on splicing. Based on the available evidence, the clinical significance of this variant remains unclear.

Labcorp Genetics (formerly Invitae), Labcorp
Classification: Uncertain significance for Renal cell carcinoma. Last evaluated: 2020-05-11. Review status: criteria provided, single submitter. Criteria: Invitae Variant Classification Sherloc (09022015). Collection method: clinical testing. Allele origin: germline.
Comment: In summary, the available evidence is currently insufficient to determine the role of this variant in disease. Therefore, it has been classified as a Variant of Uncertain Significance. Nucleotide substitutions within the consensus splice site are a relatively common cause of aberrant splicing (PMID: 17576681, 9536098). Algorithms developed to predict the effect of sequence changes on RNA splicing suggest that this variant is not likely to affect RNA splicing, but this prediction has not been confirmed by published transcriptional studies. This variant has not been reported in the literature in individuals with MET-related conditions. This variant is not present in population databases (ExAC no frequency). This sequence change falls in intron 4 of the MET gene. It does not directly change the encoded amino acid sequence of the MET protein, but it affects a nucleotide within the consensus splice site of the intron.

Literature cited by the submitters: PubMed 17576681 (cited by Labcorp Genetics (formerly Invitae), Labcorp); PubMed 9536098 (cited by Labcorp Genetics (formerly Invitae), Labcorp).